The following is an entry in ClinVar:

NM_001080517.3(SETD5):c.4112C>T (p.Ser1371Phe)

Gene: SETD5 (SET domain containing 5; plus strand). Cytogenetic location: 3p25.3.
Variant type: single nucleotide variant.
Coding change: c.4112C>T on transcript NM_001080517.3 (MANE Select); coding-DNA position 4112, C replaced by T.
Protein change: p.Ser1371Phe; replaces serine 1371 with phenylalanine.
Molecular consequence: missense variant.
Genome position (GRCh38, 1-based): chr3:9,475,874, C>T. VCF-style: chr3-9475874-C-T. GRCh37 (hg19) VCF-style: chr3-9517558-C-T.
Other names: c.3818C>T, p.Ser1273Phe (NM_001292043.2, NM_001349451.2); short protein forms S1273F, S1371F.
Identifiers: ClinVar variation 1368518 (VCV001368518.6), dbSNP rs1238145433, ClinGen allele CA351694313.

ClinVar aggregate classification (germline): Uncertain significance (1 of 4 stars; one submission).

Allele frequency attached by ClinVar (database versions not stated): gnomAD exomes below 0.00001; TOPMed below 0.00001; gnomAD 0.00001.
gnomAD v4.1: 3 of 1,613,906 alleles (0.00019%); highest among the groups gnomAD compares: African/African-American, 0.004%; no homozygotes.

Submission:

Labcorp Genetics (formerly Invitae), Labcorp
Classification: Uncertain significance. Last evaluated: 2023-07-07. Review status: criteria provided, single submitter. Criteria: Invitae Variant Classification Sherloc (09022015). Collection method: clinical testing. Allele origin: germline.
Comment: This variant has not been reported in the literature in individuals affected with SETD5-related conditions. ClinVar contains an entry for this variant (Variation ID: 1368518). Advanced modeling of protein sequence and biophysical properties (such as structural, functional, and spatial information, amino acid conservation, physicochemical variation, residue mobility, and thermodynamic stability) performed at Invitae indicates that this missense variant is not expected to disrupt SETD5 protein function. In summary, the available evidence is currently insufficient to determine the role of this variant in disease. Therefore, it has been classified as a Variant of Uncertain Significance. This sequence change replaces serine, which is neutral and polar, with phenylalanine, which is neutral and non-polar, at codon 1371 of the SETD5 protein (p.Ser1371Phe). This variant is not present in population databases (gnomAD no frequency).